The following is an entry in ClinVar:

ClinVar aggregate classification (germline): Uncertain significance (1 of 4 stars; one submission).

Conditions:
Short-rib thoracic dysplasia 14 with polydactyly (SRTD14). Identifiers: Orphanet 397715, MedGen C4225286, MONDO:0014688, OMIM 616546.
Joubert syndrome 23 (JBTS23). Identifiers: Orphanet 475, MedGen C4084822, MONDO:0014664, OMIM 616490.

Allele frequency attached by ClinVar (database versions not stated): ExAC 0.00002; gnomAD 0.00003; TOPMed 0.00003; 1000 Genomes Project 30x 0.00031; 1000 Genomes Project 0.00040.
gnomAD v4.1: 5 of 1,613,884 alleles (0.00031%); highest among the groups gnomAD compares: African/African-American, 0.0067%; no homozygotes.

Submission:

Labcorp Genetics (formerly Invitae), Labcorp
Classification: Uncertain significance for Joubert syndrome 23; Short-rib thoracic dysplasia 14 with polydactyly. Last evaluated: 2022-03-04. Review status: criteria provided, single submitter. Criteria: Invitae Variant Classification Sherloc (09022015). Collection method: clinical testing. Allele origin: germline.
Comment: In summary, the available evidence is currently insufficient to determine the role of this variant in disease. Therefore, it has been classified as a Variant of Uncertain Significance. Algorithms developed to predict the effect of missense changes on protein structure and function (SIFT, PolyPhen-2, Align-GVGD) all suggest that this variant is likely to be tolerated. This variant has not been reported in the literature in individuals affected with KIAA0586-related conditions. This variant is present in population databases (rs201315284, gnomAD 0.02%). This sequence change replaces glycine, which is neutral and non-polar, with glutamic acid, which is acidic and polar, at codon 68 of the KIAA0586 protein (p.Gly68Glu).

NM_001329943.3(KIAA0586):c.167G>A (p.Gly56Glu)

Gene: KIAA0586 (KIAA0586; plus strand). Cytogenetic location: 14q23.1.
Variant type: single nucleotide variant.
Coding change: c.167G>A on transcript NM_001329943.3 (MANE Select); coding-DNA position 167, G replaced by A.
Protein change: p.Gly56Glu; replaces glycine 56 with glutamic acid.
Molecular consequence: missense variant. On other transcripts: intron variant (5).
Genome position (GRCh38, 1-based): chr14:58,428,431, G>A. VCF-style: chr14-58428431-G-A. GRCh37 (hg19) VCF-style: chr14-58895149-G-A.
Other names: c.203G>A, p.Gly68Glu (NM_001244189.2); c.122G>A, p.Gly41Glu (NM_001244190.2); c.167G>A, p.Gly56Glu (NM_001329944.2, NM_001329946.2, NM_001329947.2 and 1 more transcripts); c.-57+794G>A (NM_001244192.2, NM_001244191.2); c.-57+618G>A (NM_001364701.2, NM_001329945.2, NM_001364700.1); short protein forms G41E, G68E, G56E.
Identifiers: ClinVar variation 2063966 (VCV002063966.4), dbSNP rs201315284, ClinGen allele CA7205277.